The following is an entry in ClinVar:

ClinVar aggregate classification (germline): Uncertain significance. Review status: criteria provided, multiple submitters, no conflicts (2 of 4 stars). 2 submissions from 2 submitters: Uncertain significance (2). Last evaluated 2025-03-03.

Conditions:
Pitt-Hopkins-like syndrome 2 (PTHSL2). Identifiers: Orphanet 221150, Orphanet 600663, MedGen C3280479, MONDO:0013690, OMIM 614325.
Inborn genetic diseases. Identifiers: MedGen C0950123, MeSH D030342.

Allele frequency attached by ClinVar (database versions not stated): gnomAD exomes 0.00001 and 0.00002; ExAC 0.00003.
gnomAD v4.1: 20 of 1,607,144 alleles (0.0012%); highest among the groups gnomAD compares: South Asian, 0.022%; no homozygotes.

Submissions (2):

Labcorp Genetics (formerly Invitae), Labcorp
Classification: Uncertain significance for Pitt-Hopkins-like syndrome 2. Last evaluated: 2025-03-03. Review status: criteria provided, single submitter. Criteria: Invitae Variant Classification Sherloc (09022015). Collection method: clinical testing. Allele origin: germline.
Comment: This sequence change replaces threonine, which is neutral and polar, with proline, which is neutral and non-polar, at codon 669 of the NRXN1 protein (p.Thr669Pro). This variant is present in population databases (rs752252507, gnomAD 0.02%). This variant has not been reported in the literature in individuals affected with NRXN1-related conditions. ClinVar contains an entry for this variant (Variation ID: 588056). An algorithm developed to predict the effect of missense changes on protein structure and function (PolyPhen-2) suggests that this variant is likely to be tolerated. In summary, the available evidence is currently insufficient to determine the role of this variant in disease. Therefore, it has been classified as a Variant of Uncertain Significance.

Ambry Genetics
Classification: Uncertain significance for Inborn genetic diseases. Last evaluated: 2016-08-15. Review status: criteria provided, single submitter. Criteria: Ambry Variant Classification Scheme 2023. Collection method: clinical testing. Allele origin: germline.
Comment: The p.T669P variant (also known as c.2005A>C), located in coding exon 10 of the NRXN1 gene, results from an A to C substitution at nucleotide position 2005. The threonine at codon 669 is replaced by proline, an amino acid with highly similar properties. This variant was not reported in population based cohorts in the following databases: Database of Single Nucleotide Polymorphisms (dbSNP), NHLBI Exome Sequencing Project (ESP), and 1000 Genomes Project. In the ESP, this variant was not observed in 6500 samples (13000 alleles) with coverage at this position. This amino acid position is highly conserved in available vertebrate species. In addition, this alteration is predicted to be deleterious by in silico analysis. Since supporting evidence is limited at this time, the clinical significance of this alteration remains unclear.

NM_001330078.2(NRXN1):c.1885A>C (p.Thr629Pro)

Gene: NRXN1 (neurexin 1; minus strand). Cytogenetic location: 2p16.3.
Variant type: single nucleotide variant.
Coding change: c.1885A>C on transcript NM_001330078.2 (MANE Select); coding-DNA position 1885, A replaced by C.
Protein change: p.Thr629Pro; replaces threonine 629 with proline.
Molecular consequence: missense variant.
Genome position (GRCh38, 1-based): chr2:50,538,511, T>G on the plus strand (A>C on the coding strand, the complement: NRXN1 is on the minus strand). VCF-style: chr2-50538511-T-G. GRCh37 (hg19) VCF-style: chr2-50765649-T-G.
Other names: c.2005A>C, p.Thr669Pro (NM_001135659.3); c.1861A>C, p.Thr621Pro (NM_001330077.2, NM_001330082.2, NM_001330095.2); c.1846A>C, p.Thr616Pro (NM_001330083.2, NM_001330084.2); c.1885A>C, p.Thr629Pro (NM_001330085.2, NM_001330086.2, NM_004801.6); c.1801A>C, p.Thr601Pro (NM_001330087.2, NM_001330096.2); c.1831A>C, p.Thr611Pro (NM_001330088.2); c.1882A>C, p.Thr628Pro (NM_001330093.2); c.1873A>C, p.Thr625Pro (NM_001330094.2); short protein forms T669P, T616P, T601P, T611P, T625P, T628P, T621P, T629P.
Identifiers: ClinVar variation 588056 (VCV000588056.10), dbSNP rs752252507, ClinGen allele CA1654960.